The following is an entry in ClinVar:

NM_000059.4(BRCA2):c.6452T>C (p.Val2151Ala)

Gene: BRCA2 (BRCA2 DNA repair associated; plus strand). Cytogenetic location: 13q13.1.
Variant type: single nucleotide variant.
Coding change: c.6452T>C on transcript NM_000059.4 (MANE Select); coding-DNA position 6452, T replaced by C.
Protein change: p.Val2151Ala; replaces valine 2151 with alanine.
Molecular consequence: missense variant.
Genome position (GRCh38, 1-based): chr13:32,340,807, T>C. VCF-style: chr13-32340807-T-C. GRCh37 (hg19) VCF-style: chr13-32914944-T-C.
Other names: short protein forms V2151A.
Identifiers: ClinVar variation 801118 (VCV000801118.9), dbSNP rs1064793743, ClinGen allele CA387789334.

ClinVar aggregate classification (germline): Conflicting classifications of pathogenicity. Review status: criteria provided, conflicting classifications (1 of 4 stars). 3 submissions from 3 submitters: Uncertain significance (2); Likely benign (1). Last evaluated 2023-12-05.

Conditions:
Hereditary cancer-predisposing syndrome. Also called: Tumor predisposition; Neoplastic Syndromes, Hereditary; Hereditary Cancer Syndrome; Hereditary neoplastic syndrome. Identifiers: Orphanet 140162, MedGen C0027672, MeSH D009386, MONDO:0015356.

Submissions (3):

Color Diagnostics, LLC DBA Color Health
Classification: Uncertain significance for Hereditary cancer-predisposing syndrome. Last evaluated: 2023-12-05. Review status: criteria provided, single submitter. Criteria: ACMG Guidelines, 2015. Collection method: clinical testing. Allele origin: germline.
Comment: This missense variant replaces valine with alanine at codon 2151 of the BRCA2 protein. Computational prediction tools and conservation analyses suggest that this variant may not impact the protein function. Computational splicing tools suggest that this variant may not impact RNA splicing. To our knowledge, functional assays have not been performed for this variant nor has this variant been reported in individuals affected with hereditary cancer in the literature. This variant has not been identified in the general population by the Genome Aggregation Database (gnomAD). Available evidence is insufficient to determine the role of this variant in disease conclusively. Therefore, this variant is classified as a Variant of Uncertain Significance.

University of Washington Department of Laboratory Medicine, University of Washington
Classification: Likely benign for Hereditary cancer-predisposing syndrome. Last evaluated: 2023-03-23. Review status: criteria provided, single submitter. Criteria: Dines et al. (Genet Med. 2020). Collection method: curation. Allele origin: germline.
Comment: Missense variant in a coldspot region where missense variants are very unlikely to be pathogenic (PMID:31911673).

BRCA2 exon 11 coldspot. Reclassification based on statistical prior probability.

Quest Diagnostics Nichols Institute San Juan Capistrano
Classification: Uncertain significance. Last evaluated: 2019-06-17. Review status: criteria provided, single submitter. Criteria: Quest Diagnostics criteria. Collection method: clinical testing. Allele origin: germline.